The following is an entry in ClinVar:

ClinVar aggregate classification (germline): Benign (1 of 4 stars; one submission).

Conditions:
Ehlers-Danlos syndrome, classic type (cEDS). Identifiers: Orphanet 287, MedGen C4225429, MONDO:0007522.

Allele frequency attached by ClinVar (database versions not stated): gnomAD 0.00009 and 0.00043; TOPMed 0.00014; gnomAD exomes 0.00059; 1000 Genomes Project 30x 0.00187; 1000 Genomes Project 0.00200.
gnomAD v4.1: 67 of 157,622 alleles (0.043%); highest among the groups gnomAD compares: South Asian, 1%; no homozygotes.

Submission:

Illumina Laboratory Services, Illumina
Classification: Benign for Ehlers-Danlos syndrome, classic type, 1. Last evaluated: 2018-01-13. Review status: criteria provided, single submitter. Criteria: ICSL Variant Classification Criteria 13 December 2019. Collection method: clinical testing. Allele origin: germline.
Comment: This variant was observed in the ICSL laboratory as part of a predisposition screen in an ostensibly healthy population. It had not been previously curated by ICSL or reported in the Human Gene Mutation Database (HGMD: prior to June 1st, 2018), and was therefore a candidate for classification through an automated scoring system. Utilizing variant allele frequency, disease prevalence and penetrance estimates, and inheritance mode, an automated score was calculated to assess if this variant is too frequent to cause the disease. Based on the score and internal cut-off values, a variant classified as benign is not then subjected to further curation. The score for this variant resulted in a classification of benign for this disease.

NM_000093.5(COL5A1):c.*608G>A

Genes: COL5A1 (collagen type V alpha 1 chain; plus strand), LOC101448202 (uncharacterized LOC101448202; minus strand). Cytogenetic location: 9q34.3.
Variant type: single nucleotide variant.
Coding change: c.*608G>A on transcript NM_000093.5 (MANE Select); 608 bases downstream of the stop codon, G replaced by A.
Molecular consequence: 3 prime UTR variant.
Genome position (GRCh38, 1-based): chr9:134,842,911, G>A. VCF-style: chr9-134842911-G-A. GRCh37 (hg19) VCF-style: chr9-137734757-G-A.
Other names: c.*608G>A (NM_001278074.1).
Identifiers: ClinVar variation 365754 (VCV000365754.7), dbSNP rs537858864, ClinGen allele CA10633183.